The following is an entry in ClinVar:

ClinVar aggregate classification (germline): Uncertain significance (1 of 4 stars; one submission).

Allele frequency attached by ClinVar (database versions not stated): gnomAD exomes below 0.00001; TOPMed below 0.00001.
gnomAD v4.1: 1 of 1,574,264 alleles (0.000064%); highest among the groups gnomAD compares: Non-Finnish European, 0.000086%; no homozygotes.

Submission:

GeneDx
Classification: Uncertain significance. Last evaluated: 2022-01-13. Review status: criteria provided, single submitter. Criteria: GeneDx Variant Classification Process June 2021. Collection method: clinical testing. Allele origin: germline. Affected: yes.
Comment: Not observed at significant frequency in large population cohorts (gnomAD); In silico analysis supports that this missense variant does not alter protein structure/function; Has not been previously published as pathogenic or benign to our knowledge

NM_001371928.1(AHDC1):c.1118C>T (p.Pro373Leu)

Gene: AHDC1 (AT-hook DNA binding motif containing 1; minus strand). Cytogenetic location: 1p36.11.
Variant type: single nucleotide variant.
Coding change: c.1118C>T on transcript NM_001371928.1 (MANE Select); coding-DNA position 1118, C replaced by T.
Protein change: p.Pro373Leu; replaces proline 373 with leucine.
Molecular consequence: missense variant.
Genome position (GRCh38, 1-based): chr1:27,550,998, G>A on the plus strand (C>T on the coding strand, the complement: AHDC1 is on the minus strand). VCF-style: chr1-27550998-G-A. GRCh37 (hg19) VCF-style: chr1-27877509-G-A.
Other names: c.1118C>T, p.Pro373Leu (NM_001029882.3); short protein forms P373L.
Identifiers: ClinVar variation 1697181 (VCV001697181.2), dbSNP rs2019520541, ClinGen allele CA339235074.